The following is an entry in ClinVar:

NM_000507.4(FBP1):c.909_910del (p.Leu304fs)

Gene: FBP1 (fructose-bisphosphatase 1; minus strand). Cytogenetic location: 9q22.32.
Variant type: Microsatellite.
Coding change: c.909_910del on transcript NM_000507.4 (MANE Select); coding-DNA positions 909 to 910, 2 bases deleted (GT; older notation c.909_910delGT).
Protein change: p.Leu304fs; shifts the reading frame from leucine 304.
Molecular consequence: frameshift variant.
Genome position (GRCh38, 1-based): chr9:94,603,488-94,603,489, AC deleted on the plus strand (GT on the coding strand, the reverse complement: FBP1 is on the minus strand); deleting any 2 consecutive bases within chr9:94,603,488-94,603,491 gives the same sequence; the c. name uses the placement nearest the transcript's 3' end. VCF-style (leftmost placement, unchanged base first): chr9-94603487-AAC-A. GRCh37 (hg19) VCF-style: chr9-97365769-AAC-A.
Other names: c.909_910del, p.Leu304fs (NM_001127628.2); short protein forms L304fs.
Identifiers: ClinVar variation 3775256 (VCV003775256.1).

ClinVar aggregate classification (germline): Likely pathogenic (1 of 4 stars; one submission).

Conditions:
Fructose-biphosphatase deficiency (FBP1D). Also called: Fructose-1,6-Diphosphatase Deficiency; Fructose 1,6 Bisphosphatase Deficiency; Fructose-1,6-Bisphosphatase 1 Deficiency. Identifiers: Orphanet 348, MedGen C0016756, MONDO:0009251, OMIM 229700.

Submission:

3billion
Classification: Likely pathogenic for Fructose-biphosphatase deficiency. Last evaluated: 2023-12-02. Review status: criteria provided, single submitter. Criteria: ACMG Guidelines, 2015. Collection method: clinical testing. Allele origin: germline. Affected: yes.
Comment: The variant is not observed in the gnomAD v2.1.1 dataset. Predicted Consequence/Location: Frameshift: predicted to result in a loss or disruption of normal protein function through protein truncation. The predicted truncated protein may be shortened by more than 10%. Therefore, this variant is classified as Likely pathogenic according to the recommendation of ACMG/AMP guideline.